The following is an entry in ClinVar:

NM_004415.4(DSP):c.1839C>T (p.Thr613=)

Gene: DSP (desmoplakin; plus strand). Cytogenetic location: 6p24.3.
Variant type: single nucleotide variant.
Coding change: c.1839C>T on transcript NM_004415.4 (MANE Select); coding-DNA position 1839, C replaced by T.
Protein change: p.Thr613=; no amino-acid change (threonine 613 retained).
Molecular consequence: synonymous variant.
Genome position (GRCh38, 1-based): chr6:7,571,520, C>T. VCF-style: chr6-7571520-C-T. GRCh37 (hg19) VCF-style: chr6-7571753-C-T.
Other names: c.1839C>T, p.Thr613= (NM_001008844.3, NM_001319034.2).
Identifiers: ClinVar variation 44868 (VCV000044868.19), dbSNP rs397516921, ClinGen allele CA005172.

ClinVar aggregate classification (germline): Likely benign. Review status: criteria provided, multiple submitters, no conflicts (2 of 4 stars). 5 submissions from 5 submitters: Likely benign (5). Last evaluated 2025-10-15.

Conditions:
Cardiovascular phenotype. Identifiers: MedGen CN230736.
Arrhythmogenic cardiomyopathy with wooly hair and keratoderma. Also called: Dilated cardiomyopathy with woolly hair and keratoderma; Arrhythmogenic cardiomyopathy with woolly hair and keratoderma; PALMOPLANTAR KERATODERMA WITH LEFT VENTRICULAR CARDIOMYOPATHY AND WOOLLY HAIR; Carvajal syndrome. Identifiers: Orphanet 65282, MedGen C1854063, MONDO:0011581, OMIM 605676.
Arrhythmogenic right ventricular dysplasia 8 (ARVD8). Also called: Arrhythmogenic Right Ventricular Dysplasia/Cardiomyopathy 8; ARRHYTHMOGENIC RIGHT VENTRICULAR DYSPLASIA, FAMILIAL, 8; ARRHYTHMOGENIC RIGHT VENTRICULAR CARDIOMYOPATHY 8. Identifiers: MedGen C1843896, MONDO:0011831, OMIM 607450.
Cardiomyopathy (CMYO). Also called: Cardiomyopathies. Identifiers: Orphanet 167848, MedGen C0878544, MONDO:0004994, HP:0001638. Inheritance: Various modes of inheritance.

Allele frequency attached by ClinVar (database versions not stated): gnomAD exomes 0.00001 and 0.00002; ExAC 0.00002; TOPMed 0.00006; gnomAD 0.00007.
gnomAD v4.1: 23 of 1,614,054 alleles (0.0014%); highest among the groups gnomAD compares: African/African-American, 0.013%; no homozygotes.

Submissions (5):

Labcorp Genetics (formerly Invitae), Labcorp
Classification: Likely benign for Arrhythmogenic cardiomyopathy with wooly hair and keratoderma; Arrhythmogenic right ventricular dysplasia 8. Last evaluated: 2025-10-15. Review status: criteria provided, single submitter. Criteria: Invitae Variant Classification Sherloc (09022015). Collection method: clinical testing. Allele origin: germline.

Ambry Genetics
Classification: Likely benign for Cardiovascular phenotype. Last evaluated: 2021-04-28. Review status: criteria provided, single submitter. Criteria: Ambry Variant Classification Scheme 2023. Collection method: clinical testing. Allele origin: germline.

GeneDx
Classification: Likely benign. Last evaluated: 2019-04-08. Review status: criteria provided, single submitter. Criteria: GeneDx Variant Classification Process June 2021. Collection method: clinical testing. Allele origin: germline. Affected: yes.

Color Diagnostics, LLC DBA Color Health
Classification: Likely benign for Cardiomyopathy. Last evaluated: 2018-10-22. Review status: criteria provided, single submitter. Criteria: ACMG Guidelines, 2015. Collection method: clinical testing. Allele origin: germline.

Laboratory for Molecular Medicine, Mass General Brigham Personalized Medicine
Classification: Likely benign. Last evaluated: 2012-08-30. Review status: criteria provided, single submitter. Criteria: LMM Criteria. Collection method: clinical testing. Allele origin: germline. Observed: 1 variant allele.
Comment: Thr613Thr in exon 15 of DSP: This variant is not expected to have clinical signi ficance because it does not alter an amino acid residue and is not located withi n the splice consensus sequence. Thr613Thr in exon 15 of DSP (allele frequency = n/a)